The following is an entry in ClinVar:

NM_001206927.2(DNAH8):c.3083A>G (p.Asn1028Ser)

Gene: DNAH8 (dynein axonemal heavy chain 8; plus strand). Cytogenetic location: 6p21.2.
Variant type: single nucleotide variant.
Coding change: c.3083A>G on transcript NM_001206927.2 (MANE Select); coding-DNA position 3083, A replaced by G.
Protein change: p.Asn1028Ser; replaces asparagine 1028 with serine.
Molecular consequence: missense variant.
Genome position (GRCh38, 1-based): chr6:38,805,529, A>G. VCF-style: chr6-38805529-A-G. GRCh37 (hg19) VCF-style: chr6-38773305-A-G.
Other names: c.2432A>G, p.Asn811Ser (NM_001371.4); short protein forms N811S, N1028S.
Identifiers: ClinVar variation 3706572 (VCV003706572.2).

ClinVar aggregate classification (germline): Uncertain significance (1 of 4 stars; one submission).

Conditions:
Primary ciliary dyskinesia. Also called: Ciliary dyskinesia. Identifiers: Orphanet 244, MedGen C0008780, MONDO:0016575, HP:0012265.

gnomAD v4.1: 14 of 1,610,968 alleles (0.00087%); highest among the groups gnomAD compares: Non-Finnish European, 0.0011%; no homozygotes.

Submission:

Labcorp Genetics (formerly Invitae), Labcorp
Classification: Uncertain significance for Primary ciliary dyskinesia. Last evaluated: 2024-03-02. Review status: criteria provided, single submitter. Criteria: Invitae Variant Classification Sherloc (09022015). Collection method: clinical testing. Allele origin: germline.
Comment: This sequence change replaces asparagine, which is neutral and polar, with serine, which is neutral and polar, at codon 1028 of the DNAH8 protein (p.Asn1028Ser). This variant is present in population databases (no rsID available, gnomAD 0.002%). This variant has not been reported in the literature in individuals affected with DNAH8-related conditions. Algorithms developed to predict the effect of missense changes on protein structure and function output the following: SIFT: "Not Available"; PolyPhen-2: "Not Available"; Align-GVGD: "Not Available". The serine amino acid residue is found in multiple mammalian species, which suggests that this missense change does not adversely affect protein function. In summary, the available evidence is currently insufficient to determine the role of this variant in disease. Therefore, it has been classified as a Variant of Uncertain Significance.